The following is an entry in ClinVar:

ClinVar aggregate classification (germline): Benign. Review status: criteria provided, multiple submitters, no conflicts (2 of 4 stars). 4 submissions from 4 submitters: Benign (3). 1 of the submissions does not count toward it. Last evaluated 2026-02-01.

Conditions:
HYOU1-related disorder. Also called: HYOU1-related condition.

Allele frequency attached by ClinVar (database versions not stated): gnomAD exomes 0.00153 and 0.00392; ExAC 0.00482; gnomAD 0.01516 and 0.01611; TOPMed 0.01635; 1000 Genomes Project 0.01717; 1000 Genomes Project 30x 0.01811; ESP Exome Variant Server 0.01855.
gnomAD v4.1: 4,629 of 1,612,384 alleles (0.29%); highest among the groups gnomAD compares: African/African-American, 5.2%; 110 homozygotes.

Submissions (4):

Labcorp Genetics (formerly Invitae), Labcorp
Classification: Benign. Last evaluated: 2026-02-01. Review status: criteria provided, single submitter. Criteria: Invitae Variant Classification Sherloc (09022015). Collection method: clinical testing. Allele origin: germline.

Women's Health and Genetics/Laboratory Corporation of America, LabCorp
Classification: Benign. Last evaluated: 2026-01-22. Review status: criteria provided, single submitter. Criteria: LabCorp Variant Classification Summary - May 2015. Collection method: clinical testing. Allele origin: germline.

Breakthrough Genomics
Classification: Benign. Review status: criteria provided, single submitter. Criteria: ACMG Guidelines, 2015. Collection method: not provided. Allele origin: germline. Inheritance: Autosomal recessive inheritance. Affected: yes.

PreventionGenetics, part of Exact Sciences
Classification: Benign for HYOU1-related condition. Last evaluated: 2019-07-01. Review status: no assertion criteria provided. Collection method: clinical testing. Allele origin: germline. Not counted in ClinVar's aggregate classification.
Comment: This variant is classified as benign based on ACMG/AMP sequence variant interpretation guidelines (Richards et al. 2015 PMID: 25741868, with internal and published modifications).

NM_006389.5(HYOU1):c.510G>A (p.Lys170=)

Gene: HYOU1 (hypoxia up-regulated 1; minus strand). Cytogenetic location: 11q23.3.
Variant type: single nucleotide variant.
Coding change: c.510G>A on transcript NM_006389.5 (MANE Select); coding-DNA position 510, G replaced by A.
Protein change: p.Lys170=; no amino-acid change (lysine 170 retained).
Molecular consequence: synonymous variant.
Genome position (GRCh38, 1-based): chr11:119,054,662, C>T on the plus strand (G>A on the coding strand, the complement: HYOU1 is on the minus strand). VCF-style: chr11-119054662-C-T. GRCh37 (hg19) VCF-style: chr11-118925374-C-T.
Other names: c.510G>A, p.Lys170= (NM_001130991.3); c.510G>A (NM_006389.4).
Identifiers: ClinVar variation 774815 (VCV000774815.15), dbSNP rs35408224, ClinGen allele CA229648146.